The following is an entry in ClinVar:

ClinVar aggregate classification (germline): Uncertain significance (1 of 4 stars; one submission).

Conditions:
Fanconi anemia complementation group J. Also called: BRIP1-Related Fanconi Anemia. Identifiers: Orphanet 84, MedGen C1836860, MONDO:0012187, OMIM 609054.
Familial cancer of breast. Also called: Hereditary breast cancer; hereditary breast carcinoma; BREAST CANCER, FAMILIAL. Identifiers: Orphanet 227535, MedGen C0346153, MONDO:0016419, OMIM 114480. Disease mechanism: loss of function.

Submission:

Labcorp Genetics (formerly Invitae), Labcorp
Classification: Uncertain significance for Familial cancer of breast; Fanconi anemia complementation group J. Last evaluated: 2025-05-18. Review status: criteria provided, single submitter. Criteria: Invitae Variant Classification Sherloc (09022015). Collection method: clinical testing. Allele origin: germline.
Comment: This sequence change creates a premature translational stop signal (p.Thr1226Asnfs*3) in the BRIP1 gene. While this is not anticipated to result in nonsense mediated decay, it is expected to disrupt the last 24 amino acid(s) of the BRIP1 protein. This variant is not present in population databases (gnomAD no frequency). This variant has not been reported in the literature in individuals affected with BRIP1-related conditions. Experimental studies and prediction algorithms are not available or were not evaluated, and the functional significance of this variant is currently unknown. In summary, the available evidence is currently insufficient to determine the role of this variant in disease. Therefore, it has been classified as a Variant of Uncertain Significance.

NM_032043.3(BRIP1):c.3676dup (p.Thr1226fs)

Gene: BRIP1 (BRCA1 interacting DNA helicase 1; minus strand). Cytogenetic location: 17q23.2.
Variant type: Duplication.
Coding change: c.3676dup on transcript NM_032043.3 (MANE Select); coding-DNA position 3676, one base duplicated (A; older notation c.3676dupA).
Protein change: p.Thr1226fs; shifts the reading frame from threonine 1226.
Molecular consequence: frameshift variant.
Genome position (GRCh38, 1-based): chr17:61,683,370, T duplicated on the plus strand (A on the coding strand, the reverse complement: BRIP1 is on the minus strand); the first of 5 consecutive T bases (chr17:61,683,370-61,683,374); duplicating any one gives the same sequence. VCF-style (leftmost placement, unchanged base first): chr17-61683369-G-GT. GRCh37 (hg19) VCF-style: chr17-59760730-G-GT.
Other names: short protein forms T1226fs.
Identifiers: ClinVar variation 4785048 (VCV004785048.1).